The following is an entry in ClinVar:

ClinVar aggregate classification (germline): Conflicting classifications of pathogenicity. Review status: criteria provided, conflicting classifications (1 of 4 stars). 9 submissions from 9 submitters: Uncertain significance (4); Likely benign (5). Last evaluated 2026-01-28.

Conditions:
Cardiovascular phenotype. Identifiers: MedGen CN230736.
Hypertrophic cardiomyopathy 26. Also called: Cardiomyopathy, familial hypertrophic, 26. Identifiers: Orphanet 75249, MedGen C4310749, MONDO:0014883, OMIM 617047.
Myofibrillar myopathy 5. Also called: Filaminopathy (type); FILAMINOPATHY, AUTOSOMAL DOMINANT. Identifiers: Orphanet 171445, MedGen C1836050, MONDO:0012289, OMIM 609524.
Distal myopathy with posterior leg and anterior hand involvement. Also called: WILLIAMS DISTAL MYOPATHY. Identifiers: Orphanet 63273, MedGen C3279722, MONDO:0013550, OMIM 614065.

Allele frequency attached by ClinVar (database versions not stated): gnomAD 0.00009 and 0.00010; gnomAD exomes 0.00010 and 0.00011; ESP Exome Variant Server 0.00015; TOPMed 0.00011; ExAC 0.00012.

Submissions (9):

Labcorp Genetics (formerly Invitae), Labcorp
Classification: Likely benign for Distal myopathy with posterior leg and anterior hand involvement; Myofibrillar myopathy 5; Hypertrophic cardiomyopathy 26. Last evaluated: 2026-01-28. Review status: criteria provided, single submitter. Criteria: Invitae Variant Classification Sherloc (09022015). Collection method: clinical testing. Allele origin: germline.

Women's Health and Genetics/Laboratory Corporation of America, LabCorp
Classification: Likely benign. Last evaluated: 2025-12-19. Review status: criteria provided, single submitter. Criteria: LabCorp Variant Classification Summary - May 2015. Collection method: clinical testing. Allele origin: germline.
Comment: Variant summary: FLNC c.3623C>T (p.Ala1208Val) results in a non-conservative amino acid change in the encoded protein sequence. Algorithms developed to predict the effect of missense changes on protein structure and function are either unavailable or do not agree on the potential impact of this missense change. The variant allele was found at a frequency of 0.0001 in 249546 control chromosomes. The observed variant frequency exceeds the estimated maximal expected allele frequency for disease-causing variants in FLNC. c.3623C>T has been observed in individual(s) affected with Hypertrophic Cardiomyopathy (Cui_2018). These report(s) do not provide unequivocal conclusions about association of the variant with Hypertrophic Cardiomyopathy. To our knowledge, no experimental evidence demonstrating an impact on protein function has been reported. The following publication have been ascertained in the context of this evaluation (PMID: 30411535). ClinVar contains an entry for this variant (Variation ID: 472044). Based on the evidence outlined above, the variant was classified as likely benign.

Ambry Genetics
Classification: Uncertain significance for Cardiovascular phenotype. Last evaluated: 2025-12-17. Review status: criteria provided, single submitter. Criteria: Ambry Variant Classification Scheme 2023. Collection method: clinical testing. Allele origin: germline.
Comment: The p.A1208V variant (also known as c.3623C>T), located in coding exon 21 of the FLNC gene, results from a C to T substitution at nucleotide position 3623. The alanine at codon 1208 is replaced by valine, an amino acid with similar properties. This alteration has been reported in a hypertrophic cardiomyopathy (HCM) cohort; however, clinical details were limited (Cui H et al. Mol Genet Genomic Med, 2018 11;6:1104-1113). This amino acid position is not well conserved in available vertebrate species. In addition, this alteration is predicted to be tolerated by in silico analysis. Since supporting evidence is limited at this time, the clinical significance of this alteration remains unclear.

CeGaT Center for Human Genetics Tuebingen
Classification: Likely benign. Last evaluated: 2025-09-01. Review status: criteria provided, single submitter. Criteria: CeGaT Center For Human Genetics Tuebingen Variant Classification Criteria Version 2. Collection method: clinical testing. Allele origin: germline. Affected: yes. Observed: 1 variant allele.
Comment: FLNC: BP4

Blueprint Genetics
Classification: Likely benign. Last evaluated: 2024-07-03. Review status: criteria provided, single submitter. Criteria: ACMG Guidelines, 2015. Collection method: clinical testing. Allele origin: germline.

Revvity Omics, Revvity
Classification: Uncertain significance. Last evaluated: 2023-08-02. Review status: criteria provided, single submitter. Criteria: ACMG Guidelines, 2015. Collection method: clinical testing. Allele origin: germline.

Victorian Clinical Genetics Services, Murdoch Childrens Research Institute
Classification: Uncertain significance for Hypertrophic cardiomyopathy 26. Last evaluated: 2022-02-02. Review status: criteria provided, single submitter. Criteria: ACMG Guidelines, 2015. Collection method: clinical testing. Allele origin: germline. Inheritance: Autosomal dominant inheritance. Affected: yes.
Comment: Based on the classification scheme VCGS_Germline_v1.3.4, this variant is classified as VUS-3C. Following criteria are met: 0103 - Loss of function and gain of function are known mechanisms of disease in this gene. Loss of function is the established mechanism of disease for variants in dilated cardiomyopathy, hypertrophic cardiomyopathy, restrictive cardiomyopathy (MIM#617047) and myofibrillar myopathy (MIM#609524). In distal myopathy (MIM#614065), NMD-predicted variants cause a loss of function, however missense variants have been shown to result in a toxic gain of function (PMID: 32112656). (I) 0107 - This gene is associated with autosomal dominant disease. Variants located throughout the gene that are predicted to result in nonsense-mediated decay (NMD) are enriched in dilated cardiomyopathy, whereas missense variants in the ROD2 domain are enriched in hypertrophic cardiomyopathy and restrictive cardiomyopathy (MIM#617047). Additionally, myofibrillar myopathy (MIM#609524) is known to result from either missense variants in the ROD2 domain or truncating variants in the Ig-like domain 24, while missense variants in the actin-binding domain and NMD-predicted variants located in the Ig-like domain 15 and have been reported for distal myopathy (MIM#614065) (PMID: 32112656). (I) 0200 - Variant is predicted to result in a missense amino acid change from alanine to valine. (I) 0251 - This variant is heterozygous. (I) 0302 - Variant is present in gnomAD (v2) <0.001 for a dominant condition (27 heterozygotes, 0 homozygotes). (SP) 0309 - An alternative amino acid change at the same position has been observed in gnomAD (v3) (12 heterozygotes, 0 homozygotes). (I) 0503 - Missense variant consistently predicted to be tolerated by multiple in silico tools or not conserved in placental mammals with a minor amino acid change. (SB) 0600 - Variant is located in the annotated ROD1 domain Ig-like 10 (PMID: 32112656). (I) 0710 - Another missense variant comparable to the one identified in this case has inconclusive previous evidence for pathogenicity. The p.(Ala1208Thr) variant has been identified in a control individual in a hypertrophic cardiomyopathy (HCM) cohort (PMID: 30411535) and has been reported as a VUS in ClinVar. (I) 0808 - Previous reports of pathogenicity for this variant are conflicting. It has been identified in an individual with HCM (PMID: 30411535) and in a control individual in a cohort study (PMID: 26555887). In addition, it has been reported both as likely benign (LOVD) and VUS (ClinVar, LOVD). (I) 0905 - No published segregation evidence has been identified for this variant. (I) 1007 - No published functional evidence has been identified for this variant. (I) 1208 - Inheritance information for this variant is not currently available in this individual. (I) Legend: (SP) - Supporting pathogenic, (I) - Information, (SB) - Supporting benign

GeneDx
Classification: Likely benign. Last evaluated: 2021-04-28. Review status: criteria provided, single submitter. Criteria: GeneDx Variant Classification Process June 2021. Collection method: clinical testing. Allele origin: germline. Affected: yes.
Comment: This variant is associated with the following publications: (PMID: 30411535)

Centre for Mendelian Genomics, University Medical Centre Ljubljana
Classification: Uncertain significance for Hypertrophic cardiomyopathy 26. Last evaluated: 2019-10-10. Review status: criteria provided, single submitter. Criteria: ACMG Guidelines, 2015. Collection method: clinical testing. Allele origin: unknown. Affected: yes.
Comment: This variant was classified as: Uncertain significance. The available evidence on this variant's pathogenicity is insufficient or conflicting. The following ACMG criteria were applied in classifying this variant: No criteria apply.

Literature cited by the submitters: PubMed 30411535 (cited by 3 submitters); PubMed 26555887 (cited by Victorian Clinical Genetics Services, Murdoch Childrens Research Institute); PubMed 32112656 (cited by Victorian Clinical Genetics Services, Murdoch Childrens Research Institute).

NM_001458.5(FLNC):c.3623C>T (p.Ala1208Val)

Gene: FLNC (filamin C; plus strand). Cytogenetic location: 7q32.1.
Variant type: single nucleotide variant.
Coding change: c.3623C>T on transcript NM_001458.5 (MANE Select); coding-DNA position 3623, C replaced by T.
Protein change: p.Ala1208Val; replaces alanine 1208 with valine.
Molecular consequence: missense variant.
Genome position (GRCh38, 1-based): chr7:128,845,088, C>T. VCF-style: chr7-128845088-C-T. GRCh37 (hg19) VCF-style: chr7-128485142-C-T.
Other names: c.3623C>T, p.Ala1208Val (NM_001127487.2); short protein forms A1208V.
Identifiers: ClinVar variation 472044 (VCV000472044.31), dbSNP rs202184162, ClinGen allele CA4475088.